The following is an entry in ClinVar:

NM_020822.3(KCNT1):c.3027C>T (p.Ala1009=)

Gene: KCNT1 (potassium sodium-activated channel subfamily T member 1; plus strand). Cytogenetic location: 9q34.3.
Variant type: single nucleotide variant.
Coding change: c.3027C>T on transcript NM_020822.3 (MANE Select); coding-DNA position 3027, C replaced by T.
Protein change: p.Ala1009=; no amino-acid change (alanine 1009 retained).
Molecular consequence: synonymous variant.
Genome position (GRCh38, 1-based): chr9:135,784,618, C>T. VCF-style: chr9-135784618-C-T. GRCh37 (hg19) VCF-style: chr9-138676464-C-T.
Other names: c.2892C>T, p.Ala964= (NM_001272003.2).
Identifiers: ClinVar variation 946673 (VCV000946673.10), dbSNP rs371694148, ClinGen allele CA5327564.

ClinVar aggregate classification (germline): Uncertain significance (1 of 4 stars; one submission).

Conditions:
Autosomal dominant nocturnal frontal lobe epilepsy 5. Also called: KCNT1-Related Epilepsy; CILIARY DYSKINESIA, PRIMARY, 28, WITHOUT SITUS INVERSUS; CILIARY DYSKINESIA, PRIMARY, 28, WITH SITUS INVERSUS; Epilepsy, nocturnal frontal lobe, 5. Identifiers: Orphanet 98784, MedGen C3554306, MONDO:0014002, OMIM 615005.
Developmental and epileptic encephalopathy, 14 (DEE14). Also called: Early infantile epileptic encephalopathy 14. Identifiers: Orphanet 293181, MedGen C3554195, MONDO:0013989, OMIM 614959.

Allele frequency attached by ClinVar (database versions not stated): gnomAD exomes 0.00001; TOPMed 0.00001; ExAC 0.00003; ESP Exome Variant Server 0.00008.
gnomAD v4.1: 6 of 1,611,460 alleles (0.00037%); highest among the groups gnomAD compares: South Asian, 0.0033%; no homozygotes.

Submission:

Labcorp Genetics (formerly Invitae), Labcorp
Classification: Uncertain significance for Autosomal dominant nocturnal frontal lobe epilepsy 5; Developmental and epileptic encephalopathy, 14. Last evaluated: 2025-10-01. Review status: criteria provided, single submitter. Criteria: Invitae Variant Classification Sherloc (09022015). Collection method: clinical testing. Allele origin: germline.
Comment: This sequence change affects codon 1009 of the KCNT1 mRNA. It is a 'silent' change, meaning that it does not change the encoded amino acid sequence of the KCNT1 protein. It affects a nucleotide within the consensus splice site. This variant is present in population databases (rs371694148, gnomAD 0.003%). This variant has not been reported in the literature in individuals affected with KCNT1-related conditions. ClinVar contains an entry for this variant (Variation ID: 946673). Algorithms developed to predict the effect of sequence changes on RNA splicing suggest that this variant is not likely to affect RNA splicing. In summary, the available evidence is currently insufficient to determine the role of this variant in disease. Therefore, it has been classified as a Variant of Uncertain Significance.